The following is an entry in ClinVar:

NM_001029896.2(WDR45):c.64del (p.Cys22fs)

Genes: WDR45 (WD repeat domain 45; minus strand), LOC126863256 (BRD4-independent group 4 enhancer GRCh37_chrX:48934848-48936047; plus strand). Cytogenetic location: Xp11.23.
Variant type: Deletion.
Coding change: c.64del on transcript NM_001029896.2 (MANE Select); coding-DNA position 64, one base deleted (T; older notation c.64delT).
Protein change: p.Cys22fs; shifts the reading frame from cysteine 22.
Molecular consequence: frameshift variant.
Genome position (GRCh38, 1-based): chrX:49,077,903, A deleted on the plus strand (T on the coding strand, the reverse complement: WDR45 is on the minus strand); the first of 4 consecutive A bases (chrX:49,077,903-49,077,906); deleting any one gives the same sequence. VCF-style (leftmost placement, unchanged base first): chrX-49077902-CA-C. GRCh37 (hg19) VCF-style: chrX-48935561-CA-C.
Other names: c.64del, p.Cys22fs (NM_007075.4); short protein forms C22fs.
Identifiers: ClinVar variation 2169647 (VCV002169647.4), dbSNP rs2520266877, ClinGen allele CA2580101110.
Genomic context (GRCh38, chrX:49,077,902, plus strand): 5'-TGCCCCTTCTCCATCAAGGGCTCCACGTTGTAGATGCGCACACCTGTCTCCATGGCGCAG[CA>C]AAAGCAGCCTGGGGGATGGAAGGAATCCAGACTGCCTTAAAGAATGCCCAGGTAGGAAGC-3'

ClinVar aggregate classification (germline): Pathogenic (1 of 4 stars; one submission).

Conditions:
Neurodegeneration with brain iron accumulation 5 (NBIA5). Also called: STATIC ENCEPHALOPATHY OF CHILDHOOD WITH NEURODEGENERATION IN ADULTHOOD; Beta-propeller protein-associated neurodegeneration. Identifiers: Orphanet 329284, MedGen C3550973, MONDO:0010476, OMIM 300894.

Submission:

Labcorp Genetics (formerly Invitae), Labcorp
Classification: Pathogenic for Neurodegeneration with brain iron accumulation 5. Last evaluated: 2022-01-27. Review status: criteria provided, single submitter. Criteria: Invitae Variant Classification Sherloc (09022015). Collection method: clinical testing. Allele origin: germline.
Comment: For these reasons, this variant has been classified as Pathogenic. This premature translational stop signal has been observed in individual(s) with WDR45-related conditions (PMID: 28878728). This variant is not present in population databases (gnomAD no frequency). This sequence change creates a premature translational stop signal (p.Cys22Alafs*16) in the WDR45 gene. It is expected to result in an absent or disrupted protein product. Loss-of-function variants in WDR45 are known to be pathogenic (PMID: 23176820, 24368176, 24621584, 25744623, 26790960, 27030146, 27652284, 28554332).

Literature cited by the submitters: PubMed 28878728; PubMed 23176820; PubMed 24368176; PubMed 24621584; PubMed 25744623; PubMed 26790960; PubMed 27030146; PubMed 27652284; PubMed 28554332.